The following is an entry in ClinVar:

ClinVar aggregate classification (germline): Uncertain significance (1 of 4 stars; one submission).

Allele frequency attached by ClinVar (database versions not stated): gnomAD exomes 0.00001 and 0.00002; gnomAD 0.00002.
gnomAD v4.1: 26 of 1,614,054 alleles (0.0016%); highest among the groups gnomAD compares: African/African-American, 0.008%; no homozygotes.

Submission:

Labcorp Genetics (formerly Invitae), Labcorp
Classification: Uncertain significance. Last evaluated: 2023-11-27. Review status: criteria provided, single submitter. Criteria: Invitae Variant Classification Sherloc (09022015). Collection method: clinical testing. Allele origin: germline.
Comment: This sequence change replaces glutamine, which is neutral and polar, with arginine, which is basic and polar, at codon 582 of the PTPN23 protein (p.Gln582Arg). This variant is present in population databases (no rsID available, gnomAD 0.004%). This variant has not been reported in the literature in individuals affected with PTPN23-related conditions. ClinVar contains an entry for this variant (Variation ID: 1394830). Experimental studies and prediction algorithms are not available or were not evaluated, and the functional significance of this variant is currently unknown. In summary, the available evidence is currently insufficient to determine the role of this variant in disease. Therefore, it has been classified as a Variant of Uncertain Significance.

NM_015466.4(PTPN23):c.1745A>G (p.Gln582Arg)

Gene: PTPN23 (protein tyrosine phosphatase non-receptor type 23; plus strand). Cytogenetic location: 3p21.31.
Variant type: single nucleotide variant.
Coding change: c.1745A>G on transcript NM_015466.4 (MANE Select); coding-DNA position 1745, A replaced by G.
Protein change: p.Gln582Arg; replaces glutamine 582 with arginine.
Molecular consequence: missense variant.
Genome position (GRCh38, 1-based): chr3:47,409,265, A>G. VCF-style: chr3-47409265-A-G. GRCh37 (hg19) VCF-style: chr3-47450755-A-G.
Other names: c.1367A>G, p.Gln456Arg (NM_001304482.2); short protein forms Q456R, Q582R.
Identifiers: ClinVar variation 1394830 (VCV001394830.8), dbSNP rs1437170371, ClinGen allele CA352554836.